The following is an entry in ClinVar:

NM_178857.6(RP1L1):c.776C>T (p.Pro259Leu)

Gene: RP1L1 (RP1 like 1). Cytogenetic location: 8p23.1.
Variant type: single nucleotide variant.
Coding change: c.776C>T on transcript NM_178857.6 (MANE Select); coding-DNA position 776, C replaced by T.
Protein change: p.Pro259Leu; replaces proline 259 with leucine.
Molecular consequence: missense variant.
Genome position (GRCh38, 1-based): chr8:10,613,322, G>A on the plus strand (C>T on the coding strand, the complement: RP1L1 is on the minus strand). VCF-style: chr8-10613322-G-A. GRCh37 (hg19) VCF-style: chr8-10470832-G-A.
Other names: short protein forms P259L.
Identifiers: ClinVar variation 3155882 (VCV003155882.7), dbSNP rs374097176, ClinGen allele CA4625460.

ClinVar aggregate classification (germline): Conflicting classifications of pathogenicity. Review status: criteria provided, conflicting classifications (1 of 4 stars). 4 submissions from 4 submitters: Uncertain significance (2); Likely benign (2). Last evaluated 2026-08-28.

Conditions:
Inborn genetic diseases. Identifiers: MedGen C0950123, MeSH D030342.
RP1L1-related disorder. Also called: RP1L1-related condition.

Allele frequency attached by ClinVar (database versions not stated): ESP Exome Variant Server 0.00024.
gnomAD v4.1: 58 of 1,600,734 alleles (0.0036%); highest among the groups gnomAD compares: African/African-American, 0.045%; no homozygotes.

Submissions (4):

PreventionGenetics, part of Exact Sciences
Classification: Uncertain significance for RP1L1-related condition. Last evaluated: 2026-08-28. Review status: criteria provided, single submitter. Criteria: ACMG Guidelines, 2015. Collection method: clinical testing. Allele origin: germline.
Comment: The RP1L1 c.776C>T variant is predicted to result in the amino acid substitution p.Pro259Leu. To our knowledge, this variant has not been reported in the literature. This variant is reported in 0.042% of alleles in individuals of African descent in gnomAD. At this time, the clinical significance of this variant is uncertain due to the absence of conclusive functional and genetic evidence.

CeGaT Center for Human Genetics Tuebingen
Classification: Likely benign. Last evaluated: 2026-01-01. Review status: criteria provided, single submitter. Criteria: CeGaT Center For Human Genetics Tuebingen Variant Classification Criteria Version 2. Collection method: clinical testing. Allele origin: germline. Affected: yes. Observed: 1 variant allele.
Comment: RP1L1: BP4

Blueprint Genetics
Classification: Likely benign. Last evaluated: 2024-08-15. Review status: criteria provided, single submitter. Criteria: ACMG Guidelines, 2015. Collection method: clinical testing. Allele origin: germline.

Ambry Genetics
Classification: Uncertain significance for Inborn genetic diseases. Last evaluated: 2024-01-23. Review status: criteria provided, single submitter. Criteria: Ambry Variant Classification Scheme 2023. Collection method: clinical testing. Allele origin: germline.